The following is an entry in ClinVar:

NM_005215.4(DCC):c.2071C>A (p.Gln691Lys)

Gene: DCC (DCC netrin 1 receptor; plus strand). Cytogenetic location: 18q21.2.
Variant type: single nucleotide variant.
Coding change: c.2071C>A on transcript NM_005215.4 (MANE Select); coding-DNA position 2071, C replaced by A.
Protein change: p.Gln691Lys; replaces glutamine 691 with lysine.
Molecular consequence: missense variant.
Genome position (GRCh38, 1-based): chr18:53,322,064, C>A. VCF-style: chr18-53322064-C-A. GRCh37 (hg19) VCF-style: chr18-50848434-C-A.
Other names: p.691Gln>Lys; short protein forms Q691K.
Identifiers: ClinVar variation 446760 (VCV000446760.5), dbSNP rs1555652216, ClinGen allele CA402466296.

ClinVar aggregate classification (germline): Uncertain significance (0 of 4 stars; one submission).

Conditions:
Gaze palsy, familial horizontal, with progressive scoliosis, 2. Also called: GAZE PALSY, FAMILIAL HORIZONTAL, WITH PROGRESSIVE SCOLIOSIS 2, WITH IMPAIRED INTELLECTUAL DEVELOPMENT; DEVELOPMENTAL SPLIT-BRAIN SYNDROME. Identifiers: MedGen C4479640, MONDO:0054602, OMIM 617542.

Submission:

Tim Yu lab, Boston Children's Hospital
Classification: Uncertain significance for Developmental Split Brain Syndrome. Last evaluated: 2017-01-26. Review status: no assertion criteria provided. Collection method: research. Allele origin: germline. Inheritance: Autosomal recessive inheritance. Affected: yes. Observed: 1 variant allele, 1 homozygote.
Comment: This variant is not found in public allele frequency databases, nor have any other variants affecting this amino acid position been reported. p.Gln691Lys alters a glutamine residue in the third fibronectin (FN) type III domain that is highly evolutionarily conserved, and this change was predicted to be deleterious by 5/7 algorithms applied

Literature cited by the submitters: PubMed 28250456.